The following is an entry in ClinVar:

NM_024642.5(GALNT12):c.1568A>G (p.Glu523Gly)

Gene: GALNT12 (polypeptide N-acetylgalactosaminyltransferase 12; plus strand). Cytogenetic location: 9q22.33.
Variant type: single nucleotide variant.
Coding change: c.1568A>G on transcript NM_024642.5 (MANE Select); coding-DNA position 1568, A replaced by G.
Protein change: p.Glu523Gly; replaces glutamic acid 523 with glycine.
Molecular consequence: missense variant.
Genome position (GRCh38, 1-based): chr9:98,846,086, A>G. VCF-style: chr9-98846086-A-G. GRCh37 (hg19) VCF-style: chr9-101608368-A-G.
Other names: short protein forms E523G.
Identifiers: ClinVar variation 1410585 (VCV001410585.11), dbSNP rs1169647634, ClinGen allele CA374221829.

ClinVar aggregate classification (germline): Conflicting classifications of pathogenicity. Review status: criteria provided, conflicting classifications (1 of 4 stars). 3 submissions from 3 submitters: Uncertain significance (2); Likely benign (1). Last evaluated 2024-03-26.

Allele frequency attached by ClinVar (database versions not stated): gnomAD exomes below 0.00001 and 0.00001.
gnomAD v4.1: 6 of 1,614,194 alleles (0.00037%); highest among the groups gnomAD compares: Non-Finnish European, 0.00051%; no homozygotes.

Submissions (3):

Ambry Genetics
Classification: Likely benign. Last evaluated: 2024-03-26. Review status: criteria provided, single submitter. Criteria: Ambry Variant Classification Scheme 2023. Collection method: clinical testing. Allele origin: germline.

Quest Diagnostics Nichols Institute San Juan Capistrano
Classification: Uncertain significance. Last evaluated: 2024-01-23. Review status: criteria provided, single submitter. Criteria: Quest Diagnostics criteria. Collection method: clinical testing. Allele origin: unknown.
Comment: The GALNT12 c.1568A>G (p.Glu523Gly) variant has not been reported in individuals with GALNT12-related conditions in the published literature. The frequency of this variant in the general population, 0.000004 (1/251400 chromosomes (Genome Aggregation Database)), is uninformative in the assessment of its pathogenicity. Analysis of this variant using bioinformatics tools for the prediction of the effect of amino acid changes on protein structure and function yielded predictions that this variant is benign. Based on the available information, we are unable to determine the clinical significance of this variant.

Labcorp Genetics (formerly Invitae), Labcorp
Classification: Uncertain significance. Last evaluated: 2024-01-18. Review status: criteria provided, single submitter. Criteria: Invitae Variant Classification Sherloc (09022015). Collection method: clinical testing. Allele origin: germline.
Comment: This sequence change replaces glutamic acid, which is acidic and polar, with glycine, which is neutral and non-polar, at codon 523 of the GALNT12 protein (p.Glu523Gly). This variant is present in population databases (no rsID available, gnomAD 0.0009%). This variant has not been reported in the literature in individuals affected with GALNT12-related conditions. ClinVar contains an entry for this variant (Variation ID: 1410585). Advanced modeling of protein sequence and biophysical properties (such as structural, functional, and spatial information, amino acid conservation, physicochemical variation, residue mobility, and thermodynamic stability) performed at Invitae indicates that this missense variant is not expected to disrupt GALNT12 protein function with a negative predictive value of 80%. In summary, the available evidence is currently insufficient to determine the role of this variant in disease. Therefore, it has been classified as a Variant of Uncertain Significance.